The following is an entry in ClinVar:

ClinVar aggregate classification (germline): Uncertain significance (1 of 4 stars; one submission).

Conditions:
CHARGE syndrome (CHARGE). Also called: Hittner Hirsch Kreh syndrome; CHARGE ASSOCIATION--COLOBOMA, HEART ANOMALY, CHOANAL ATRESIA, RETARDATION, GENITAL AND EAR ANOMALIES; Coloboma, heart anomaly, choanal atresia, retardation, genital and ear anomalies; CHARGE association; Hall-Hittner syndrome. Identifiers: Orphanet 138, MedGen C0265354, MONDO:0008965.

Submission:

Labcorp Genetics (formerly Invitae), Labcorp
Classification: Uncertain significance for CHARGE syndrome. Last evaluated: 2023-12-04. Review status: criteria provided, single submitter. Criteria: Invitae Variant Classification Sherloc (09022015). Collection method: clinical testing. Allele origin: germline.
Comment: This sequence change replaces arginine, which is basic and polar, with glycine, which is neutral and non-polar, at codon 1189 of the CHD7 protein (p.Arg1189Gly). This variant is not present in population databases (gnomAD no frequency). This missense change has been observed in individual(s) with clinical features of CHARGE syndrome (Invitae). Advanced modeling of protein sequence and biophysical properties (such as structural, functional, and spatial information, amino acid conservation, physicochemical variation, residue mobility, and thermodynamic stability) performed at Invitae indicates that this missense variant is expected to disrupt CHD7 protein function with a positive predictive value of 95%. In summary, the available evidence is currently insufficient to determine the role of this variant in disease. Therefore, it has been classified as a Variant of Uncertain Significance.

NM_017780.4(CHD7):c.3565C>G (p.Arg1189Gly)

Gene: CHD7 (chromodomain helicase DNA binding protein 7; plus strand). Cytogenetic location: 8q12.2.
Variant type: single nucleotide variant.
Coding change: c.3565C>G on transcript NM_017780.4 (MANE Select); coding-DNA position 3565, C replaced by G.
Protein change: p.Arg1189Gly; replaces arginine 1189 with glycine.
Molecular consequence: missense variant. On other transcripts: intron variant (1).
Genome position (GRCh38, 1-based): chr8:60,830,364, C>G. VCF-style: chr8-60830364-C-G. GRCh37 (hg19) VCF-style: chr8-61742923-C-G.
Other names: c.1717-31865C>G (NM_001316690.1); short protein forms R1189G.
Identifiers: ClinVar variation 2795199 (VCV002795199.3), dbSNP rs2487853259, ClinGen allele CA16609663.